The following is an entry in ClinVar:

NM_004655.4(AXIN2):c.364C>T (p.Leu122=)

Gene: AXIN2 (axin 2; minus strand). Cytogenetic location: 17q24.1.
Variant type: single nucleotide variant.
Coding change: c.364C>T on transcript NM_004655.4 (MANE Select); coding-DNA position 364, C replaced by T.
Protein change: p.Leu122=; no amino-acid change (leucine 122 retained).
Molecular consequence: synonymous variant.
Genome position (GRCh38, 1-based): chr17:65,558,257, G>A on the plus strand (C>T on the coding strand, the complement: AXIN2 is on the minus strand). VCF-style: chr17-65558257-G-A. GRCh37 (hg19) VCF-style: chr17-63554375-G-A.
Other names: c.364C>T, p.Leu122= (NM_001363813.1).
Identifiers: ClinVar variation 1117455 (VCV001117455.10), dbSNP rs2144587127, ClinGen allele CA501691882.

ClinVar aggregate classification (germline): Benign/Likely benign. Review status: criteria provided, multiple submitters, no conflicts (2 of 4 stars). 2 submissions from 2 submitters: Benign (1); Likely benign (1). Last evaluated 2024-06-26.

Conditions:
Oligodontia-cancer predisposition syndrome. Also called: TOOTH AGENESIS-COLORECTAL CANCER SYNDROME. Identifiers: Orphanet 300576, MedGen C1837750, MONDO:0012075, OMIM 608615. Disease mechanism: loss of function.

Submissions (2):

Myriad Genetics, Inc.
Classification: Benign for Oligodontia-cancer predisposition syndrome. Last evaluated: 2024-06-26. Review status: criteria provided, single submitter. Criteria: Myriad Autosomal Dominant, Autosomal Recessive and X-Linked Classification Criteria (2023). Collection method: clinical testing. Allele origin: unknown.
Comment: This variant is considered benign. This variant is a silent/synonymous amino acid change and it is not expected to impact splicing.

Labcorp Genetics (formerly Invitae), Labcorp
Classification: Likely benign for Oligodontia-cancer predisposition syndrome. Last evaluated: 2021-11-15. Review status: criteria provided, single submitter. Criteria: Invitae Variant Classification Sherloc (09022015). Collection method: clinical testing. Allele origin: germline.